The following is an entry in ClinVar:

ClinVar aggregate classification (germline): Uncertain significance (1 of 4 stars; one submission).

Submission:

Labcorp Genetics (formerly Invitae), Labcorp
Classification: Uncertain significance. Last evaluated: 2024-08-04. Review status: criteria provided, single submitter. Criteria: Invitae Variant Classification Sherloc (09022015). Collection method: clinical testing. Allele origin: germline.
Comment: This sequence change replaces proline, which is neutral and non-polar, with leucine, which is neutral and non-polar, at codon 1062 of the RNF31 protein (p.Pro1062Leu). This variant is not present in population databases (gnomAD no frequency). This variant has not been reported in the literature in individuals affected with RNF31-related conditions. An algorithm developed to predict the effect of missense changes on protein structure and function (PolyPhen-2) suggests that this variant is likely to be disruptive. In summary, the available evidence is currently insufficient to determine the role of this variant in disease. Therefore, it has been classified as a Variant of Uncertain Significance.

NM_017999.5(RNF31):c.3185C>T (p.Pro1062Leu)

Gene: RNF31 (ring finger protein 31; plus strand). Cytogenetic location: 14q12.
Variant type: single nucleotide variant.
Coding change: c.3185C>T on transcript NM_017999.5 (MANE Select); coding-DNA position 3185, C replaced by T.
Protein change: p.Pro1062Leu; replaces proline 1062 with leucine.
Molecular consequence: missense variant.
Genome position (GRCh38, 1-based): chr14:24,160,539, C>T. VCF-style: chr14-24160539-C-T. GRCh37 (hg19) VCF-style: chr14-24629748-C-T.
Other names: c.2732C>T, p.Pro911Leu (NM_001310332.2); short protein forms P1062L, P911L.
Identifiers: ClinVar variation 3680479 (VCV003680479.2).